The following is an entry in ClinVar:

ClinVar aggregate classification (germline): Uncertain significance (1 of 4 stars; one submission).

Conditions:
Coffin-Siris syndrome 11. Identifiers: MedGen C5241442, MONDO:0032912, OMIM 618779.

Submission:

Juno Genomics, Hangzhou Juno Genomics, Inc
Classification: Uncertain significance for Coffin-Siris syndrome 11. Review status: criteria provided, single submitter. Criteria: ACMG Guidelines, 2015. Collection method: clinical testing. Allele origin: germline.
Comment: Absent from controls (or at extremely low frequency if recessive) in Genome Aggregation Database.;Missense variant in a gene that has a low rate of benign missense variation.;Multiple lines of computational evidence suggest no impact on gene or gene product.

NM_003076.5(SMARCD1):c.1337G>A (p.Arg446Lys)

Gene: SMARCD1 (SWI/SNF related BAF chromatin remodeling complex subunit D1; plus strand). Cytogenetic location: 12q13.12.
Variant type: single nucleotide variant.
Coding change: c.1337G>A on transcript NM_003076.5 (MANE Select); coding-DNA position 1337, G replaced by A.
Protein change: p.Arg446Lys; replaces arginine 446 with lysine.
Molecular consequence: missense variant. On other transcripts: intron variant (1).
Genome position (GRCh38, 1-based): chr12:50,096,917, G>A. VCF-style: chr12-50096917-G-A. GRCh37 (hg19) VCF-style: chr12-50490700-G-A.
Other names: c.1270-1797G>A (NM_139071.3); short protein forms R446K.
Identifiers: ClinVar variation 5005122 (VCV005005122.2).